The following is an entry in ClinVar:

NM_006767.4(LZTR1):c.401-2del

Gene: LZTR1 (leucine zipper like post translational regulator 1; plus strand). Cytogenetic location: 22q11.21.
Variant type: Deletion.
Coding change: c.401-2del on transcript NM_006767.4 (MANE Select); the canonical splice acceptor site of the intron before coding-DNA position 401, one base deleted (A; older notation c.401-2delA).
Molecular consequence: splice acceptor variant.
Genome position (GRCh38, 1-based): chr22:20,988,008, A deleted. VCF-style (leftmost placement, unchanged base first): chr22-20988007-CA-C. GRCh37 (hg19) VCF-style: chr22-21342296-CA-C.
Identifiers: ClinVar variation 2496796 (VCV002496796.5), dbSNP rs2518613174, ClinGen allele CA2577655847.

ClinVar aggregate classification (germline): Likely pathogenic. Review status: criteria provided, multiple submitters, no conflicts (2 of 4 stars). 2 submissions from 2 submitters: Likely pathogenic (2). Last evaluated 2026-06-29.

Conditions:
Hereditary cancer-predisposing syndrome. Also called: Hereditary Cancer Syndrome; Hereditary neoplastic syndrome; Neoplastic Syndromes, Hereditary; Tumor predisposition. Identifiers: Orphanet 140162, MedGen C0027672, MeSH D009386, MONDO:0015356.
Cardiovascular phenotype. Identifiers: MedGen CN230736.

Allele frequency attached by ClinVar (database versions not stated): gnomAD exomes below 0.00001.

Submissions (2):

Ambry Genetics
Classification: Likely pathogenic for Cardiovascular phenotype; Hereditary cancer-predisposing syndrome. Last evaluated: 2026-06-29. Review status: criteria provided, single submitter. Criteria: Ambry Variant Classification Scheme 2023. Collection method: clinical testing. Allele origin: germline.
Comment: The c.401-2delA intronic variant results from a deletion of one nucleotide within intron 4 of the LZTR1 gene two nucleotides before coding exon 5. This variant is considered to be rare based on population cohorts in the Genome Aggregation Database (gnomAD). This nucleotide position is highly conserved in available vertebrate species. In silico splice site analysis predicts that this alteration will weaken the native splice acceptor site, and RNA studies have demonstrated that this alteration results in abnormal splicing in the set of samples tested (Ambry internal data). In addition, alterations that disrupt the canonical splice site are expected to cause aberrant splicing, resulting in an abnormal protein or a transcript that is subject to nonsense-mediated mRNA decay. Loss-of-function variants in LZTR1 are related to an increased risk for schwannomas and autosomal recessive Noonan syndrome; however, such associations with autosomal dominant Noonan syndrome have not been observed (Piotrowski A et al. Nat Genet. 2014 Feb;46:182-7; Yamamoto GL et al. J Med Genet. 2015 Jun;52:413-21; Johnston JJ et al. Genet Med. 2018 10;20:1175-1185). Based on the supporting evidence, this variant is likely pathogenic for an increased risk of LZTR1-related schwannomatosis (SWN) and would be expected to cause autosomal recessive Noonan syndrome when present along with a second pathogenic or likely pathogenic variant on the other allele; however, the association of this alteration with autosomal dominant Noonan syndrome is unlikely.

Labcorp Genetics (formerly Invitae), Labcorp
Classification: Likely pathogenic. Last evaluated: 2025-09-05. Review status: criteria provided, single submitter. Criteria: Invitae Variant Classification Sherloc (09022015). Collection method: clinical testing. Allele origin: germline.
Comment: This sequence change affects a splice site in intron 4 of the LZTR1 gene. It is expected to disrupt RNA splicing. Variants that disrupt the donor or acceptor splice site typically lead to a loss of protein function (PMID: 16199547), and loss-of-function variants in LZTR1 are known to be pathogenic (PMID: 24362817, 25335493, 25480913, 25795793, 29469822, 30368668, 30442762, 30442766, 30481304, 30859559). This variant is not present in population databases (gnomAD no frequency). This variant has not been reported in the literature in individuals affected with LZTR1-related conditions. ClinVar contains an entry for this variant (Variation ID: 2496796). Algorithms developed to predict the effect of sequence changes on RNA splicing suggest that this variant may disrupt the consensus splice site. In summary, the currently available evidence indicates that the variant is pathogenic, but additional data are needed to prove that conclusively. Therefore, this variant has been classified as Likely Pathogenic.

Literature cited by the submitters: PubMed 16199547 (cited by Labcorp Genetics (formerly Invitae), Labcorp); PubMed 24362817 (cited by Labcorp Genetics (formerly Invitae), Labcorp); PubMed 25335493 (cited by Labcorp Genetics (formerly Invitae), Labcorp); PubMed 25480913 (cited by Labcorp Genetics (formerly Invitae), Labcorp); PubMed 25795793 (cited by Labcorp Genetics (formerly Invitae), Labcorp); PubMed 29469822 (cited by Labcorp Genetics (formerly Invitae), Labcorp); PubMed 30368668 (cited by Labcorp Genetics (formerly Invitae), Labcorp); PubMed 30442762 (cited by Labcorp Genetics (formerly Invitae), Labcorp); PubMed 30442766 (cited by Labcorp Genetics (formerly Invitae), Labcorp); PubMed 30481304 (cited by Labcorp Genetics (formerly Invitae), Labcorp); PubMed 30859559 (cited by Labcorp Genetics (formerly Invitae), Labcorp).